The following is an entry in ClinVar:

NM_001164665.2(KIAA1549):c.2749C>T (p.Pro917Ser)

Gene: KIAA1549 (KIAA1549; minus strand). Cytogenetic location: 7q34.
Variant type: single nucleotide variant.
Coding change: c.2749C>T on transcript NM_001164665.2 (MANE Select); coding-DNA position 2749, C replaced by T.
Protein change: p.Pro917Ser; replaces proline 917 with serine.
Molecular consequence: missense variant.
Genome position (GRCh38, 1-based): chr7:138,916,877, G>A on the plus strand (C>T on the coding strand, the complement: KIAA1549 is on the minus strand). VCF-style: chr7-138916877-G-A. GRCh37 (hg19) VCF-style: chr7-138601623-G-A.
Other names: c.2749C>T, p.Pro917Ser (NM_020910.3); short protein forms P917S.
Identifiers: ClinVar variation 1713989 (VCV001713989.5), dbSNP rs1472373360, ClinGen allele CA369392058.

ClinVar aggregate classification (germline): Uncertain significance (1 of 4 stars; one submission).

Allele frequency attached by ClinVar (database versions not stated): gnomAD exomes below 0.00001; gnomAD 0.00001; TOPMed 0.00001.

Submission:

Labcorp Genetics (formerly Invitae), Labcorp
Classification: Uncertain significance. Last evaluated: 2022-08-05. Review status: criteria provided, single submitter. Criteria: Invitae Variant Classification Sherloc (09022015). Collection method: clinical testing. Allele origin: germline.
Comment: In summary, the available evidence is currently insufficient to determine the role of this variant in disease. Therefore, it has been classified as a Variant of Uncertain Significance. Algorithms developed to predict the effect of missense changes on protein structure and function are either unavailable or do not agree on the potential impact of this missense change (SIFT: "Tolerated"; PolyPhen-2: "Probably Damaging"; Align-GVGD: "Class C0"). This variant has not been reported in the literature in individuals affected with KIAA1549-related conditions. This variant is present in population databases (no rsID available, gnomAD 0.0009%). This sequence change replaces proline, which is neutral and non-polar, with serine, which is neutral and polar, at codon 917 of the KIAA1549 protein (p.Pro917Ser).